The following is an entry in ClinVar:

NM_004230.4(S1PR2):c.486C>T (p.Leu162=)

Gene: S1PR2 (sphingosine-1-phosphate receptor 2; minus strand). Cytogenetic location: 19p13.2.
Variant type: single nucleotide variant.
Coding change: c.486C>T on transcript NM_004230.4 (MANE Select); coding-DNA position 486, C replaced by T.
Protein change: p.Leu162=; no amino-acid change (leucine 162 retained).
Molecular consequence: synonymous variant.
Genome position (GRCh38, 1-based): chr19:10,224,420, G>A on the plus strand (C>T on the coding strand, the complement: S1PR2 is on the minus strand). VCF-style: chr19-10224420-G-A. GRCh37 (hg19) VCF-style: chr19-10335096-G-A.
Other names: c.486C>T (NM_004230.3).
Identifiers: ClinVar variation 1532733 (VCV001532733.35), dbSNP rs375693128, ClinGen allele CA9189080.
Genomic context (GRCh38, chr19:10,224,420, plus strand): 5'-GACAGTGGAGCAGGCCTCGAGGTGGCCCAGGCAGTTCCAGCCAAGGATGGGCAGGCCACC[G>A]AGGACCAGCGAGATGAGCCACGAGGCCCCGATGAGCAGAAGCATGCGGCAGCTCTTGTCG-3'
Protein context (NP_004221.3, residues 152-172): IGASWLISLV[Leu162=]GGLPILGWNC

ClinVar aggregate classification (germline): Likely benign. Review status: criteria provided, multiple submitters, no conflicts (2 of 4 stars). 3 submissions from 3 submitters: Likely benign (3). Last evaluated 2025-08-09.

Conditions:
S1PR2-related disorder. Also called: S1PR2-related condition.

Allele frequency attached by ClinVar (database versions not stated): gnomAD 0.00001; ExAC 0.00002; gnomAD exomes 0.00002; TOPMed 0.00003; ESP Exome Variant Server 0.00008.

Submissions (3):

Labcorp Genetics (formerly Invitae), Labcorp
Classification: Likely benign. Last evaluated: 2025-08-09. Review status: criteria provided, single submitter. Criteria: Invitae Variant Classification Sherloc (09022015). Collection method: clinical testing. Allele origin: germline.

PreventionGenetics, part of Exact Sciences
Classification: Likely benign for S1PR2-related condition. Last evaluated: 2025-01-21. Review status: criteria provided, single submitter. Criteria: ACMG Guidelines, 2015. Collection method: clinical testing. Allele origin: germline.
Comment: This variant is classified as likely benign based on ACMG/AMP sequence variant interpretation guidelines (Richards et al. 2015 PMID: 25741868, with internal and published modifications).

CeGaT Center for Human Genetics Tuebingen
Classification: Likely benign. Last evaluated: 2023-05-01. Review status: criteria provided, single submitter. Criteria: CeGaT Center For Human Genetics Tuebingen Variant Classification Criteria Version 2. Collection method: clinical testing. Allele origin: germline. Affected: yes. Observed: 1 variant allele.
Comment: S1PR2: BP4, BP7